The following is an entry in ClinVar:

ClinVar aggregate classification (germline): Uncertain significance. Review status: criteria provided, multiple submitters, no conflicts (2 of 4 stars). 2 submissions from 2 submitters: Uncertain significance (2). Last evaluated 2023-12-04.

Conditions:
Hereditary cancer-predisposing syndrome. Also called: Neoplastic Syndromes, Hereditary; Tumor predisposition; Hereditary Cancer Syndrome; Hereditary neoplastic syndrome. Identifiers: Orphanet 140162, MedGen C0027672, MeSH D009386, MONDO:0015356.

Submissions (2):

Color Diagnostics, LLC DBA Color Health
Classification: Uncertain significance for Hereditary cancer-predisposing syndrome. Last evaluated: 2023-12-04. Review status: criteria provided, single submitter. Criteria: ACMG Guidelines, 2015. Collection method: clinical testing. Allele origin: germline.
Comment: This missense variant replaces threonine with alanine at codon 275 of the PALB2 protein. Computational prediction suggests that this variant may not impact protein structure and function (internally defined REVEL score threshold <= 0.5, PMID: 27666373). To our knowledge, functional studies have not been reported for this variant. This variant has not been reported in individuals affected with PALB2-related disorders in the literature. This variant has not been identified in the general population by the Genome Aggregation Database (gnomAD). The available evidence is insufficient to determine the role of this variant in disease conclusively. Therefore, this variant is classified as a Variant of Uncertain Significance.

Ambry Genetics
Classification: Uncertain significance for Hereditary cancer-predisposing syndrome. Last evaluated: 2020-05-01. Review status: criteria provided, single submitter. Criteria: Ambry Variant Classification Scheme 2023. Collection method: clinical testing. Allele origin: germline.
Comment: The p.T275A variant (also known as c.823A>G), located in coding exon 4 of the PALB2 gene, results from an A to G substitution at nucleotide position 823. The threonine at codon 275 is replaced by alanine, an amino acid with similar properties. This amino acid position is not well conserved in available vertebrate species. In addition, this alteration is predicted to be tolerated by in silico analysis. Since supporting evidence is limited at this time, the clinical significance of this alteration remains unclear.

NM_024675.4(PALB2):c.823A>G (p.Thr275Ala)

Gene: PALB2 (partner and localizer of BRCA2; minus strand). Cytogenetic location: 16p12.2.
Variant type: single nucleotide variant.
Coding change: c.823A>G on transcript NM_024675.4 (MANE Select); coding-DNA position 823, A replaced by G.
Protein change: p.Thr275Ala; replaces threonine 275 with alanine.
Molecular consequence: missense variant.
Genome position (GRCh38, 1-based): chr16:23,635,723, T>C on the plus strand (A>G on the coding strand, the complement: PALB2 is on the minus strand). VCF-style: chr16-23635723-T-C. GRCh37 (hg19) VCF-style: chr16-23647044-T-C.
Other names: short protein forms T275A.
Identifiers: ClinVar variation 918502 (VCV000918502.6), dbSNP rs1555461608, ClinGen allele CA395135969.